The following is an entry in ClinVar:

NM_004380.3(CREBBP):c.5301_5302insAAGAACCCCCAA (p.Ser1767_Arg1768insLysAsnProGln)

Gene: CREBBP (CREB binding lysine acetyltransferase; minus strand). Cytogenetic location: 16p13.3.
Variant type: Insertion.
Coding change: c.5301_5302insAAGAACCCCCAA on transcript NM_004380.3 (MANE Select); coding-DNA positions 5301 to 5302, AAGAACCCCCAA inserted.
Protein change: p.Ser1767_Arg1768insLysAsnProGln.
Molecular consequence: inframe insertion.
Genome position: GRCh38 VCF-style: chr16-3729745-G-GTTGGGGGTTCTT. GRCh37 (hg19) VCF-style: chr16-3779746-G-GTTGGGGGTTCTT.
Other names: c.5187_5188insAAGAACCCCCAA, p.Ser1729_Arg1730insLysAsnProGln (NM_001079846.1).
Identifiers: ClinVar variation 1505228 (VCV001505228.8), dbSNP rs2151311865, ClinGen allele CA2573152062.

ClinVar aggregate classification (germline): Uncertain significance (1 of 4 stars; one submission).

Conditions:
Rubinstein-Taybi syndrome (RSTS). Identifiers: Orphanet 783, MedGen C0035934, MONDO:0019188.

Submission:

Labcorp Genetics (formerly Invitae), Labcorp
Classification: Uncertain significance for Rubinstein-Taybi syndrome. Last evaluated: 2021-01-28. Review status: criteria provided, single submitter. Criteria: Invitae Variant Classification Sherloc (09022015). Collection method: clinical testing. Allele origin: germline.
Comment: In summary, the available evidence is currently insufficient to determine the role of this variant in disease. Therefore, it has been classified as a Variant of Uncertain Significance. Experimental studies and prediction algorithms are not available or were not evaluated, and the functional significance of this variant is currently unknown. This variant has not been reported in the literature in individuals with CREBBP-related conditions. This variant is not present in population databases (ExAC no frequency). This variant, c.5301_5302insAAGAACCCCCAA, results in the insertion of 4 amino acid(s) to the CREBBP protein (p.Ser1767_Arg1768insLysAsnProGln), but otherwise preserves the integrity of the reading frame.